The following is an entry in ClinVar:

ClinVar aggregate classification (germline): Uncertain significance. Review status: criteria provided, multiple submitters, no conflicts (2 of 4 stars). 2 submissions from 2 submitters: Uncertain significance (2). Last evaluated 2026-09-06.

Conditions:
Hereditary cancer-predisposing syndrome. Also called: Hereditary Cancer Syndrome; Hereditary neoplastic syndrome; Neoplastic Syndromes, Hereditary; Tumor predisposition. Identifiers: Orphanet 140162, MedGen C0027672, MeSH D009386, MONDO:0015356.

Submissions (2):

Ambry Genetics
Classification: Uncertain significance for Hereditary cancer-predisposing syndrome. Last evaluated: 2026-09-06. Review status: criteria provided, single submitter. Criteria: Ambry Variant Classification Scheme 2023. Collection method: clinical testing. Allele origin: germline.
Comment: The p.G76S variant (also known as c.226G>A), located in coding exon 2 of the NTHL1 gene, results from a G to A substitution at nucleotide position 226. The glycine at codon 76 is replaced by serine, an amino acid with similar properties. This amino acid position is conserved. In addition, this alteration is predicted to be tolerated by in silico analysis. Based on the available evidence, the clinical significance of this variant remains unclear.

Labcorp Genetics (formerly Invitae), Labcorp
Classification: Uncertain significance. Last evaluated: 2025-10-03. Review status: criteria provided, single submitter. Criteria: Invitae Variant Classification Sherloc (09022015). Collection method: clinical testing. Allele origin: germline.
Comment: This sequence change replaces glycine, which is neutral and non-polar, with serine, which is neutral and polar, at codon 76 of the NTHL1 protein (p.Gly76Ser). This variant is not present in population databases (gnomAD no frequency). This variant has not been reported in the literature in individuals affected with NTHL1-related conditions. ClinVar contains an entry for this variant (Variation ID: 3011751). An algorithm developed to predict the effect of missense changes on protein structure and function outputs the following: PolyPhen-2: "Benign". The serine amino acid residue is found in multiple mammalian species, which suggests that this missense change does not adversely affect protein function. In summary, the available evidence is currently insufficient to determine the role of this variant in disease. Therefore, it has been classified as a Variant of Uncertain Significance.

NM_002528.7(NTHL1):c.202G>A (p.Gly68Ser)

Gene: NTHL1 (nth like DNA glycosylase 1; minus strand). Cytogenetic location: 16p13.3.
Variant type: single nucleotide variant.
Coding change: c.202G>A on transcript NM_002528.7 (MANE Select); coding-DNA position 202, G replaced by A.
Protein change: p.Gly68Ser; replaces glycine 68 with serine.
Molecular consequence: missense variant. On other transcripts: synonymous variant (1).
Genome position (GRCh38, 1-based): chr16:2,046,280, C>T on the plus strand (G>A on the coding strand, the complement: NTHL1 is on the minus strand). VCF-style: chr16-2046280-C-T. GRCh37 (hg19) VCF-style: chr16-2096281-C-T.
Other names: c.24G>A, p.Lys8= (NM_001318194.2); c.202G>A, p.Gly68Ser (NM_001318193.2); c.226G>A (NM_002528.5); short protein forms G68S.
Identifiers: ClinVar variation 3011751 (VCV003011751.4), dbSNP rs2150946747, ClinGen allele CA394297587.